The following is an entry in ClinVar:

NM_177438.3(DICER1):c.774A>G (p.Gly258=)

Gene: DICER1 (dicer 1, ribonuclease III; minus strand). Cytogenetic location: 14q32.13.
Variant type: single nucleotide variant.
Coding change: c.774A>G on transcript NM_177438.3 (MANE Select); coding-DNA position 774, A replaced by G.
Protein change: p.Gly258=; no amino-acid change (glycine 258 retained).
Molecular consequence: synonymous variant.
Genome position (GRCh38, 1-based): chr14:95,126,709, T>C on the plus strand (A>G on the coding strand, the complement: DICER1 is on the minus strand). VCF-style: chr14-95126709-T-C. GRCh37 (hg19) VCF-style: chr14-95593046-T-C.
Other names: c.774A>G, p.Gly258= (NM_001195573.1, NM_001271282.3, NM_001291628.2 and 1 more transcripts).
Identifiers: ClinVar variation 477285 (VCV000477285.17), dbSNP rs1425525083, ClinGen allele CA487633588.

ClinVar aggregate classification (germline): Benign/Likely benign. Review status: criteria provided, multiple submitters, no conflicts (2 of 4 stars). 3 submissions from 3 submitters: Benign (1); Likely benign (2). Last evaluated 2026-04-15.

Conditions:
DICER1-related tumor predisposition. Also called: DICER1-related pleuropulmonary blastoma cancer predisposition syndrome; DICER1 syndrome. Identifiers: Orphanet 284343, MedGen C3839822, MONDO:0100216.
Hereditary cancer-predisposing syndrome. Also called: Hereditary neoplastic syndrome; Neoplastic Syndromes, Hereditary; Hereditary Cancer Syndrome; Tumor predisposition. Identifiers: Orphanet 140162, MedGen C0027672, MeSH D009386, MONDO:0015356.

Allele frequency attached by ClinVar (database versions not stated): gnomAD 0.00001; gnomAD exomes below 0.00001; TOPMed 0.00001.
gnomAD v4.1: 3 of 1,610,974 alleles (0.00019%); highest among the groups gnomAD compares: African/African-American, 0.0027%; no homozygotes.

Submissions (3):

Myriad Genetics, Inc.
Classification: Benign for DICER1-related tumor predisposition. Last evaluated: 2026-04-15. Review status: criteria provided, single submitter. Criteria: Myriad Autosomal Dominant, Autosomal Recessive and X-Linked Classification Criteria (2023). Collection method: clinical testing. Allele origin: unknown.
Comment: This variant is considered benign. This variant is a silent/synonymous amino acid change and it is not expected to impact splicing.

Labcorp Genetics (formerly Invitae), Labcorp
Classification: Likely benign for DICER1-related tumor predisposition. Last evaluated: 2025-11-17. Review status: criteria provided, single submitter. Criteria: Invitae Variant Classification Sherloc (09022015). Collection method: clinical testing. Allele origin: germline.

Ambry Genetics
Classification: Likely benign for Hereditary cancer-predisposing syndrome. Last evaluated: 2017-03-28. Review status: criteria provided, single submitter. Criteria: Ambry Variant Classification Scheme 2023. Collection method: clinical testing. Allele origin: germline.